The following is an entry in ClinVar:

ClinVar aggregate classification (germline): Uncertain significance (1 of 4 stars; one submission).

Conditions:
Hereditary cancer-predisposing syndrome. Also called: Neoplastic Syndromes, Hereditary; Tumor predisposition; Hereditary Cancer Syndrome; Hereditary neoplastic syndrome. Identifiers: Orphanet 140162, MedGen C0027672, MeSH D009386, MONDO:0015356.

Submission:

Ambry Genetics
Classification: Uncertain significance for Hereditary cancer-predisposing syndrome. Last evaluated: 2021-07-23. Review status: criteria provided, single submitter. Criteria: Ambry Variant Classification Scheme 2023. Collection method: clinical testing. Allele origin: germline.
Comment: The p.T1301S variant (also known as c.3902C>G), located in coding exon 15 of the APC gene, results from a C to G substitution at nucleotide position 3902. The threonine at codon 1301 is replaced by serine, an amino acid with similar properties. This amino acid position is well conserved in available vertebrate species. In addition, in silico predictors for this gene do not accurately predict pathogenicity. Since supporting evidence is limited at this time, the clinical significance of this alteration remains unclear.

NM_000038.6(APC):c.3902C>G (p.Thr1301Ser)

Gene: APC (APC regulator of Wnt signaling pathway; plus strand). Cytogenetic location: 5q22.2.
Variant type: single nucleotide variant.
Coding change: c.3902C>G on transcript NM_000038.6 (MANE Select); coding-DNA position 3902, C replaced by G.
Protein change: p.Thr1301Ser; replaces threonine 1301 with serine.
Molecular consequence: missense variant.
Genome position (GRCh38, 1-based): chr5:112,839,496, C>G. VCF-style: chr5-112839496-C-G. GRCh37 (hg19) VCF-style: chr5-112175193-C-G.
Other names: c.3902C>G, p.Thr1301Ser (NM_001127510.3, NM_001354895.2, NM_001407450.1); c.3848C>G, p.Thr1283Ser (NM_001127511.3); c.3956C>G, p.Thr1319Ser (NM_001354896.2, NM_001407447.1, NM_001407448.1 and 1 more transcripts); c.3932C>G, p.Thr1311Ser (NM_001354897.2); c.3827C>G, p.Thr1276Ser (NM_001354898.2); c.3818C>G, p.Thr1273Ser (NM_001354899.2); c.3779C>G, p.Thr1260Ser (NM_001354900.2); c.3725C>G, p.Thr1242Ser (NM_001354901.2, NM_001407453.1); and 11 more; short protein forms T1210S, T1291S, T1294S, T1329S, T1018S, T1273S, T1276S, T1301S.
Identifiers: ClinVar variation 1736034 (VCV001736034.2), dbSNP rs781535021, ClinGen allele CA16029896.